The following is an entry in ClinVar:

ClinVar aggregate classification (germline): Uncertain significance. Review status: criteria provided, multiple submitters, no conflicts (2 of 4 stars). 2 submissions from 2 submitters: Uncertain significance (2). Last evaluated 2025-12-28.

Conditions:
Inclusion body myopathy with Paget disease of bone and frontotemporal dementia. Also called: Inclusion body myopathy with early-onset Paget disease and frontotemporal dementia. Identifiers: Orphanet 52430, MedGen C1833662, MONDO:0000507.
Frontotemporal dementia and/or amyotrophic lateral sclerosis 6 (FTDALS6). Also called: VCP-Related Amyotrophic Lateral Sclerosis; VCP-Related Amyotrophic Lateral Sclerosis/Frontotemporal Dementia. Identifiers: Orphanet 275872, Orphanet 803, MedGen C5436279, MONDO:0013501, OMIM 613954.
Inborn genetic diseases. Identifiers: MedGen C0950123, MeSH D030342.

Allele frequency attached by ClinVar (database versions not stated): gnomAD exomes below 0.00001 and 0.00001; TOPMed 0.00001.
gnomAD v4.1: 6 of 1,614,190 alleles (0.00037%); highest among the groups gnomAD compares: Admixed American, 0.0083%; no homozygotes.

Submissions (2):

Labcorp Genetics (formerly Invitae), Labcorp
Classification: Uncertain significance for Inclusion body myopathy with Paget disease of bone and frontotemporal dementia; Frontotemporal dementia and/or amyotrophic lateral sclerosis 6. Last evaluated: 2025-12-28. Review status: criteria provided, single submitter. Criteria: Invitae Variant Classification Sherloc (09022015). Collection method: clinical testing. Allele origin: germline.
Comment: This sequence change replaces asparagine, which is neutral and polar, with serine, which is neutral and polar, at codon 21 of the VCP protein (p.Asn21Ser). This variant is present in population databases (no rsID available, gnomAD 0.006%). This variant has not been reported in the literature in individuals affected with VCP-related conditions. ClinVar contains an entry for this variant (Variation ID: 1394525). Invitae Evidence Modeling of protein sequence and biophysical properties (such as structural, functional, and spatial information, amino acid conservation, physicochemical variation, residue mobility, and thermodynamic stability) indicates that this missense variant is not expected to disrupt VCP protein function with a negative predictive value of 95%. In summary, the available evidence is currently insufficient to determine the role of this variant in disease. Therefore, it has been classified as a Variant of Uncertain Significance.

Ambry Genetics
Classification: Uncertain significance for Inborn genetic diseases. Last evaluated: 2025-01-20. Review status: criteria provided, single submitter. Criteria: Ambry Variant Classification Scheme 2023. Collection method: clinical testing. Allele origin: germline.

NM_007126.5(VCP):c.62A>G (p.Asn21Ser)

Gene: VCP (valosin containing protein; minus strand). Cytogenetic location: 9p13.3.
Variant type: single nucleotide variant.
Coding change: c.62A>G on transcript NM_007126.5 (MANE Select); coding-DNA position 62, A replaced by G.
Protein change: p.Asn21Ser; replaces asparagine 21 with serine.
Molecular consequence: missense variant. On other transcripts: 5 prime UTR variant (2).
Genome position (GRCh38, 1-based): chr9:35,068,318, T>C on the plus strand (A>G on the coding strand, the complement: VCP is on the minus strand). VCF-style: chr9-35068318-T-C. GRCh37 (hg19) VCF-style: chr9-35068315-T-C.
Other names: c.62A>G (NM_007126.3); c.-74A>G (NM_001354927.2, NM_001354928.2); short protein forms N21S.
Identifiers: ClinVar variation 1394525 (VCV001394525.7), dbSNP rs1409460709, ClinGen allele CA373295168.